The following is an entry in ClinVar:

NM_024753.5(TTC21B):c.1960G>A (p.Val654Met)

Gene: TTC21B (tetratricopeptide repeat domain 21B; minus strand). Cytogenetic location: 2q24.3.
Variant type: single nucleotide variant.
Coding change: c.1960G>A on transcript NM_024753.5 (MANE Select); coding-DNA position 1960, G replaced by A.
Protein change: p.Val654Met; replaces valine 654 with methionine.
Molecular consequence: missense variant.
Genome position (GRCh38, 1-based): chr2:165,915,379, C>T on the plus strand (G>A on the coding strand, the complement: TTC21B is on the minus strand). VCF-style: chr2-165915379-C-T. GRCh37 (hg19) VCF-style: chr2-166771889-C-T.
Other names: short protein forms V654M.
Identifiers: ClinVar variation 1955662 (VCV001955662.5), dbSNP rs2468176721, ClinGen allele CA349058919.
Genomic context (GRCh38, chr2:165,915,379, plus strand): 5'-AAGCCCGTTCAATATCTCCTTGGGCTAGAGCAAGGTCTGCATTAGCAATGGTAACCCGCA[C>T]TTCTTCAGATGTTCCAGAAAATTCATGGATGGCATCTTGTAAAACTTTGGTTGCCTCATG-3'
Protein context (NP_079029.3, residues 644-664): IHEFSGTSEE[Val654Met]RVTIANADLA

ClinVar aggregate classification (germline): Uncertain significance (1 of 4 stars; one submission).

Conditions:
Jeune thoracic dystrophy. Also called: Jeune syndrome; Infantile thoracic dystrophy; Thoracic pelvic phalangeal dystrophy; Jeune's syndrome; Chondroectodermal dysplasia-like syndrome; Short-rib thoracic dysplasia. Identifiers: Orphanet 474, MedGen C0265275, MONDO:0018770.
Nephronophthisis. Also called: Juvenile Nephronophthisis. Identifiers: Orphanet 655, MedGen C0687120, MONDO:0019005, HP:0000090.

Submission:

Labcorp Genetics (formerly Invitae), Labcorp
Classification: Uncertain significance for Jeune thoracic dystrophy; Nephronophthisis. Last evaluated: 2025-08-21. Review status: criteria provided, single submitter. Criteria: Invitae Variant Classification Sherloc (09022015). Collection method: clinical testing. Allele origin: germline.
Comment: This sequence change replaces valine, which is neutral and non-polar, with methionine, which is neutral and non-polar, at codon 654 of the TTC21B protein (p.Val654Met). This variant is not present in population databases (gnomAD no frequency). This variant has not been reported in the literature in individuals affected with TTC21B-related conditions. ClinVar contains an entry for this variant (Variation ID: 1955662). Invitae Evidence Modeling of protein sequence and biophysical properties (such as structural, functional, and spatial information, amino acid conservation, physicochemical variation, residue mobility, and thermodynamic stability) indicates that this missense variant is not expected to disrupt TTC21B protein function with a negative predictive value of 95%. In summary, the available evidence is currently insufficient to determine the role of this variant in disease. Therefore, it has been classified as a Variant of Uncertain Significance.